The following is an entry in ClinVar:

NM_001048174.2(MUTYH):c.873C>T (p.Ala291=)

Gene: MUTYH (mutY DNA glycosylase; minus strand). Cytogenetic location: 1p34.1.
Variant type: single nucleotide variant.
Coding change: c.873C>T on transcript NM_001048174.2 (MANE Select); coding-DNA position 873, C replaced by T.
Protein change: p.Ala291=; no amino-acid change (alanine 291 retained).
Molecular consequence: synonymous variant. On other transcripts: non-coding transcript variant (2).
Genome position (GRCh38, 1-based): chr1:45,332,063, G>A on the plus strand (C>T on the coding strand, the complement: MUTYH is on the minus strand). VCF-style: chr1-45332063-G-A. GRCh37 (hg19) VCF-style: chr1-45797735-G-A.
Other names: c.873C>T, p.Ala291= (NM_001048171.2, NM_001048173.2, NM_001293195.2); c.876C>T, p.Ala292= (NM_001048172.2); c.957C>T, p.Ala319= (NM_001128425.2); c.918C>T, p.Ala306= (NM_001293190.2); c.906C>T, p.Ala302= (NM_001293191.2); c.597C>T, p.Ala199= (NM_001293192.2, NM_001293196.2); c.528C>T, p.Ala176= (NM_001350650.2, NM_001350651.2); c.948C>T, p.Ala316= (NM_012222.3).
Identifiers: ClinVar variation 384534 (VCV000384534.11), dbSNP rs1057521985, ClinGen allele CA16603651.

ClinVar aggregate classification (germline): Likely benign. Review status: criteria provided, multiple submitters, no conflicts (2 of 4 stars). 3 submissions from 3 submitters: Likely benign (3). Last evaluated 2023-06-14.

Conditions:
Hereditary cancer-predisposing syndrome. Also called: Neoplastic Syndromes, Hereditary; Hereditary Cancer Syndrome; Hereditary neoplastic syndrome; Tumor predisposition. Identifiers: Orphanet 140162, MedGen C0027672, MeSH D009386, MONDO:0015356.
Familial adenomatous polyposis 2. Also called: ADENOMAS, MULTIPLE COLORECTAL, AUTOSOMAL RECESSIVE; MYH-associated polyposis; Adenomas, multiple colorectal; MUTYH Polyposis; COLORECTAL ADENOMATOUS POLYPOSIS, AUTOSOMAL RECESSIVE; FAP type 2. Identifiers: Orphanet 220460, Orphanet 247798, MedGen C3272841, MONDO:0012041, OMIM 608456.

Allele frequency attached by ClinVar (database versions not stated): TOPMed below 0.00001; gnomAD 0.00001.
gnomAD v4.1: 1 of 1,614,090 alleles (0.000062%); highest among the groups gnomAD compares: Non-Finnish European, 0.000085%; no homozygotes.

Submissions (3):

Labcorp Genetics (formerly Invitae), Labcorp
Classification: Likely benign for Familial adenomatous polyposis 2. Last evaluated: 2023-06-14. Review status: criteria provided, single submitter. Criteria: Invitae Variant Classification Sherloc (09022015). Collection method: clinical testing. Allele origin: germline.

Ambry Genetics
Classification: Likely benign for Hereditary cancer-predisposing syndrome. Last evaluated: 2020-09-11. Review status: criteria provided, single submitter. Criteria: Ambry Variant Classification Scheme 2023. Collection method: clinical testing. Allele origin: germline.

GeneDx
Classification: Likely benign. Last evaluated: 2016-03-07. Review status: criteria provided, single submitter. Criteria: GeneDx Variant Classification (06012015). Collection method: clinical testing. Allele origin: germline. Affected: yes.
Comment: This variant is considered likely benign or benign based on one or more of the following criteria: it is a conservative change, it occurs at a poorly conserved position in the protein, it is predicted to be benign by multiple in silico algorithms, and/or has population frequency not consistent with disease.